The following is an entry in ClinVar:

NM_000094.4(COL7A1):c.7683C>A (p.Asp2561Glu)

Gene: COL7A1 (collagen type VII alpha 1 chain; minus strand). Cytogenetic location: 3p21.31.
Variant type: single nucleotide variant.
Coding change: c.7683C>A on transcript NM_000094.4 (MANE Select); coding-DNA position 7683, C replaced by A.
Protein change: p.Asp2561Glu; replaces aspartic acid 2561 with glutamic acid.
Molecular consequence: missense variant.
Genome position (GRCh38, 1-based): chr3:48,569,378, G>T on the plus strand (C>A on the coding strand, the complement: COL7A1 is on the minus strand). VCF-style: chr3-48569378-G-T. GRCh37 (hg19) VCF-style: chr3-48606811-G-T.
Other names: short protein forms D2561E.
Identifiers: ClinVar variation 2719544 (VCV002719544.3), dbSNP rs2043771529, ClinGen allele CA352643577.

ClinVar aggregate classification (germline): Uncertain significance (1 of 4 stars; one submission).

Allele frequency attached by ClinVar (database versions not stated): TOPMed below 0.00001.

Submission:

Labcorp Genetics (formerly Invitae), Labcorp
Classification: Uncertain significance. Last evaluated: 2024-01-29. Review status: criteria provided, single submitter. Criteria: Invitae Variant Classification Sherloc (09022015). Collection method: clinical testing. Allele origin: germline.
Comment: This sequence change replaces aspartic acid, which is acidic and polar, with glutamic acid, which is acidic and polar, at codon 2561 of the COL7A1 protein (p.Asp2561Glu). This variant is not present in population databases (gnomAD no frequency). This variant has not been reported in the literature in individuals affected with COL7A1-related conditions. Advanced modeling of protein sequence and biophysical properties (such as structural, functional, and spatial information, amino acid conservation, physicochemical variation, residue mobility, and thermodynamic stability) performed at Invitae indicates that this missense variant is not expected to disrupt COL7A1 protein function with a negative predictive value of 95%. In summary, the available evidence is currently insufficient to determine the role of this variant in disease. Therefore, it has been classified as a Variant of Uncertain Significance.